The following is an entry in ClinVar:

NM_002185.5(IL7R):c.655G>T (p.Glu219Ter)

Gene: IL7R (interleukin 7 receptor; plus strand). Cytogenetic location: 5p13.2.
Variant type: single nucleotide variant.
Coding change: c.655G>T on transcript NM_002185.5 (MANE Select); coding-DNA position 655, G replaced by T.
Protein change: p.Glu219Ter; replaces glutamic acid 219 with a stop codon.
Molecular consequence: nonsense.
Genome position (GRCh38, 1-based): chr5:35,873,597, G>T. VCF-style: chr5-35873597-G-T. GRCh37 (hg19) VCF-style: chr5-35873699-G-T.
Other names: c.655G>T, p.Glu219Ter (NM_001410734.1); short protein forms E219*.
Identifiers: ClinVar variation 3654012 (VCV003654012.2).
Genomic context (GRCh38, chr5:35,873,597, plus strand): 5'-GCAATGTATGAGATTAAAGTTCGATCCATCCCTGATCACTATTTTAAAGGCTTCTGGAGT[G>T]AATGGAGTCCAAGTTATTACTTCAGAACTCCAGAGATCAATAATAGCTCAGGTAAGGAAT-3'

ClinVar aggregate classification (germline): Pathogenic (1 of 4 stars; one submission).

Conditions:
Immunodeficiency 104. Also called: SCID, AUTOSOMAL RECESSIVE, T CELL-NEGATIVE, B CELL-POSITIVE, NK CELL-POSITIVE; Severe combined immunodeficiency, autosomal recessive, T cell-negative, B cell-positive, NK cell-positive; Severe Combined Immune Deficiency, Autosomal Recessive, TCell -Negative, B Cell-Positive, NK Cell-Positive, IL7R-Related; IMMUNODEFICIENCY 104, SEVERE COMBINED. Identifiers: MedGen C5676890, MONDO:0012163, OMIM 608971.

Submission:

Labcorp Genetics (formerly Invitae), Labcorp
Classification: Pathogenic for Immunodeficiency 104. Last evaluated: 2024-05-21. Review status: criteria provided, single submitter. Criteria: Invitae Variant Classification Sherloc (09022015). Collection method: clinical testing. Allele origin: germline.
Comment: This sequence change creates a premature translational stop signal (p.Glu219*) in the IL7R gene. It is expected to result in an absent or disrupted protein product. Loss-of-function variants in IL7R are known to be pathogenic (PMID: 21664875, 26123418). This variant is not present in population databases (gnomAD no frequency). This variant has not been reported in the literature in individuals affected with IL7R-related conditions. Algorithms developed to predict the effect of sequence changes on RNA splicing suggest that this variant may disrupt the consensus splice site. For these reasons, this variant has been classified as Pathogenic.

Literature cited by the submitters: PubMed 21664875; PubMed 26123418.